The following is an entry in ClinVar:

NM_024589.3(ROGDI):c.155C>T (p.Thr52Ile)

Gene: ROGDI (rogdi atypical leucine zipper; minus strand). Cytogenetic location: 16p13.3.
Variant type: single nucleotide variant.
Coding change: c.155C>T on transcript NM_024589.3 (MANE Select); coding-DNA position 155, C replaced by T.
Protein change: p.Thr52Ile; replaces threonine 52 with isoleucine.
Molecular consequence: missense variant. On other transcripts: non-coding transcript variant (1).
Genome position (GRCh38, 1-based): chr16:4,801,548, G>A on the plus strand (C>T on the coding strand, the complement: ROGDI is on the minus strand). VCF-style: chr16-4801548-G-A. GRCh37 (hg19) VCF-style: chr16-4851549-G-A.
Other names: short protein forms T52I.
Identifiers: ClinVar variation 1482315 (VCV001482315.3), dbSNP rs779951541, ClinGen allele CA7882944.

ClinVar aggregate classification (germline): Uncertain significance (1 of 4 stars; one submission).

Conditions:
Amelocerebrohypohidrotic syndrome (KTZS). Also called: Kohlschutter's syndrome; KOHLSCHUTTER SYNDROME; EPILEPSY AND YELLOW TEETH; EPILEPSY, DEMENTIA, AND AMELOGENESIS IMPERFECTA. Identifiers: Orphanet 1946, MedGen C0406740, MONDO:0009185, OMIM 226750.

Allele frequency attached by ClinVar (database versions not stated): gnomAD exomes below 0.00001; gnomAD 0.00001; TOPMed 0.00001; ExAC 0.00002.

Submission:

Labcorp Genetics (formerly Invitae), Labcorp
Classification: Uncertain significance for Amelocerebrohypohidrotic syndrome. Last evaluated: 2021-10-05. Review status: criteria provided, single submitter. Criteria: Invitae Variant Classification Sherloc (09022015). Collection method: clinical testing. Allele origin: germline.
Comment: This sequence change replaces threonine with isoleucine at codon 52 of the ROGDI protein (p.Thr52Ile). The threonine residue is weakly conserved and there is a moderate physicochemical difference between threonine and isoleucine. This variant is present in population databases (rs779951541, ExAC 0.003%). This variant has not been reported in the literature in individuals affected with ROGDI-related conditions. Algorithms developed to predict the effect of missense changes on protein structure and function (SIFT, PolyPhen-2, Align-GVGD) all suggest that this variant is likely to be tolerated. In summary, the available evidence is currently insufficient to determine the role of this variant in disease. Therefore, it has been classified as a Variant of Uncertain Significance.